The following is an entry in ClinVar:

ClinVar aggregate classification (germline): Uncertain significance (1 of 4 stars; one submission).

Conditions:
Combined immunodeficiency due to DOCK8 deficiency (HIES2). Also called: HIES autosomal recessive; Hyper-IgE recurrent infection syndrome, autosomal recessive; HYPER-IgE RECURRENT INFECTION SYNDROME 2, AUTOSOMAL RECESSIVE; HYPER-IgE SYNDROME 2, AUTOSOMAL RECESSIVE, WITH RECURRENT INFECTIONS; DOCK8 Deficiency. Identifiers: Orphanet 217390, MedGen C4722305, MONDO:0009478, OMIM 243700.

Allele frequency attached by ClinVar (database versions not stated): TOPMed below 0.00001; gnomAD 0.00001.
gnomAD v4.1: 1 of 1,613,654 alleles (0.000062%); highest among the groups gnomAD compares: Non-Finnish European, 0.000085%; no homozygotes.

Submission:

Labcorp Genetics (formerly Invitae), Labcorp
Classification: Uncertain significance for Combined immunodeficiency due to DOCK8 deficiency. Last evaluated: 2023-10-18. Review status: criteria provided, single submitter. Criteria: Invitae Variant Classification Sherloc (09022015). Collection method: clinical testing. Allele origin: germline.
Comment: This sequence change affects a donor splice site in intron 47 of the DOCK8 gene. While this variant is not anticipated to result in nonsense mediated decay, it likely alters RNA splicing and results in a disrupted protein product. This variant is not present in population databases (gnomAD no frequency). This variant has not been reported in the literature in individuals affected with DOCK8-related conditions. Variants that disrupt the consensus splice site are a relatively common cause of aberrant splicing (PMID: 17576681, 9536098). Algorithms developed to predict the effect of sequence changes on RNA splicing suggest that this variant may disrupt the consensus splice site. In summary, the available evidence is currently insufficient to determine the role of this variant in disease. Therefore, it has been classified as a Variant of Uncertain Significance.

Literature cited by the submitters: PubMed 17576681; PubMed 9536098.

NM_203447.4(DOCK8):c.6239+1G>T

Gene: DOCK8 (dedicator of cytokinesis 8; plus strand). Cytogenetic location: 9p24.3.
Variant type: single nucleotide variant.
Coding change: c.6239+1G>T on transcript NM_203447.4 (MANE Select); the canonical splice donor site of the intron after coding-DNA position 6239, G replaced by T.
Molecular consequence: splice donor variant.
Genome position (GRCh38, 1-based): chr9:463,688, G>T. VCF-style: chr9-463688-G-T. GRCh37 (hg19) VCF-style: chr9-463688-G-T.
Other names: c.6035+1G>T (NM_001193536.2); c.5939+1G>T (NM_001190458.2).
Identifiers: ClinVar variation 2769896 (VCV002769896.3), dbSNP rs1367547362, ClinGen allele CA372751892.